The following is an entry in ClinVar:

NM_020975.6(RET):c.1649-4G>A

Gene: RET (ret proto-oncogene; plus strand). Cytogenetic location: 10q11.21.
Variant type: single nucleotide variant.
Coding change: c.1649-4G>A on transcript NM_020975.6 (MANE Select); 4 bases into the intron before coding-DNA position 1649, G replaced by A.
Molecular consequence: intron variant.
Genome position (GRCh38, 1-based): chr10:43,112,849, G>A. VCF-style: chr10-43112849-G-A. GRCh37 (hg19) VCF-style: chr10-43608297-G-A.
Other names: c.1649-4G>A (NM_020630.7, NM_001406743.1, NM_001406744.1 and 4 more transcripts); c.1253-4G>A (NM_001406772.1, NM_001406769.1); c.1211-4G>A (NM_001406773.1, NM_001406771.1); c.752-4G>A (NM_001406782.1, NM_001406780.1, NM_001406779.1 and 3 more transcripts); c.1520-4G>A (NM_001406764.1, NM_001406762.1, NM_001406761.1 and 1 more transcripts); c.1124-4G>A (NM_001406774.1); c.623-4G>A (NM_001406786.1, NM_001406783.1); c.1361-4G>A (NM_001406770.1, NM_001406766.1, NM_001406767.1); and 5 more.
Identifiers: ClinVar variation 548897 (VCV000548897.42), dbSNP rs369769303, ClinGen allele CA034881.

ClinVar aggregate classification (germline): Conflicting classifications of pathogenicity. Review status: criteria provided, conflicting classifications (1 of 4 stars). 10 submissions from 7 submitters: Uncertain significance (5); Benign (1); Likely benign (3). 1 of the submissions does not count toward it. Last evaluated 2026-01-12.

Conditions:
Hereditary cancer-predisposing syndrome. Also called: Neoplastic Syndromes, Hereditary; Hereditary Cancer Syndrome; Tumor predisposition; Hereditary neoplastic syndrome. Identifiers: Orphanet 140162, MedGen C0027672, MeSH D009386, MONDO:0015356.
Hirschsprung disease, susceptibility to, 1 (HSCR1). Also called: RET-Related Hirschsprung Disease. Identifiers: Orphanet 388, MedGen C3888239, MONDO:0007723, OMIM 142623.
Multiple endocrine neoplasia type 2A. Also called: MULTIPLE ENDOCRINE NEOPLASIA, TYPE IIA; PTC SYNDROME; SIPPLE SYNDROME; MEN 2A; MEN-2A syndrome; Pheochromocytoma and amyloid producing medullary thyroid carcinoma. Identifiers: Orphanet 247698, Orphanet 653, MedGen C0025268, MeSH D018813, MONDO:0008234, OMIM 171400.
Multiple endocrine neoplasia. Identifiers: Orphanet 276161, MedGen C0027662, MONDO:0017169.
Multiple endocrine neoplasia, type 2 (MEN2). Identifiers: Orphanet 653, MedGen C4048306, MONDO:0019003. Disease mechanism: gain of function.
Pheochromocytoma. Also called: MAX-Related Hereditary Paraganglioma-Pheochromocytoma Syndrome. Identifiers: Orphanet 29072, MedGen C0031511, MONDO:0008233, OMIM 171300, HP:0002666.
Renal hypodysplasia/aplasia 1 (RHDA1). Also called: HEREDITARY RENAL APLASIA; RENAL APLASIA. Identifiers: Orphanet 411709, MedGen C1619700, MONDO:0024519, OMIM 191830.

Allele frequency attached by ClinVar (database versions not stated): gnomAD exomes below 0.00001; ExAC 0.00001; TOPMed 0.00003; gnomAD 0.00005 and 0.00006; ESP Exome Variant Server 0.00008.
gnomAD v4.1: 24 of 1,611,674 alleles (0.0015%); highest among the groups gnomAD compares: Non-Finnish European, 0.00025%; no homozygotes.

Submissions (10):

Labcorp Genetics (formerly Invitae), Labcorp
Classification: Likely benign for Multiple endocrine neoplasia, type 2. Last evaluated: 2026-01-12. Review status: criteria provided, single submitter. Criteria: Invitae Variant Classification Sherloc (09022015). Collection method: clinical testing. Allele origin: germline.

CeGaT Center for Human Genetics Tuebingen
Classification: Likely benign. Last evaluated: 2024-04-01. Review status: criteria provided, single submitter. Criteria: CeGaT Center For Human Genetics Tuebingen Variant Classification Criteria Version 2. Collection method: clinical testing. Allele origin: germline. Affected: yes. Observed: 1 variant allele.
Comment: RET: BP4

Ambry Genetics
Classification: Benign for Hereditary cancer-predisposing syndrome. Last evaluated: 2023-11-12. Review status: criteria provided, single submitter. Criteria: Ambry Variant Classification Scheme 2023. Collection method: clinical testing. Allele origin: germline.

Color Diagnostics, LLC DBA Color Health
Classification: Likely benign for Multiple endocrine neoplasia, type 2. Last evaluated: 2023-09-06. Review status: criteria provided, single submitter. Criteria: ACMG Guidelines, 2015. Collection method: clinical testing. Allele origin: germline.

Sema4
Classification: Uncertain significance for Hereditary cancer-predisposing syndrome. Last evaluated: 2021-05-25. Review status: criteria provided, single submitter. Criteria: Sema4 Curation Guidelines. Collection method: curation. Allele origin: germline.
Comment: The RET c.1649-4G>A variant has not been reported in the literature to our knowledge. It was observed in 3/10336 chromosomes of the Ashkenazi Jewish subpopulation in the large and broad cohorts of the Genome Aggregation Database. The variant has been reported in ClinVar (Variation ID 548897). This variant involves a nucleotide that is not conserved, and in silico tools suggest that the variant does not impact splicing, though these predictions have not been confirmed by functional studies. There is no indication that this variant causes disease, but the evidence is insufficient currently to prove that conclusively. Thus, the clinical significance of this variant is currently uncertain.

Illumina Laboratory Services, Illumina
Classification: Uncertain significance for Hirschsprung disease, susceptibility to, 1. Last evaluated: 2018-01-13. Review status: criteria provided, single submitter. Criteria: ICSL Variant Classification Criteria 13 December 2019. Collection method: clinical testing. Allele origin: germline.

Illumina Laboratory Services, Illumina
Classification: Uncertain significance for Renal hypodysplasia/aplasia 1. Last evaluated: 2018-01-13. Review status: criteria provided, single submitter. Criteria: ICSL Variant Classification Criteria 13 December 2019. Collection method: clinical testing. Allele origin: germline.

Illumina Laboratory Services, Illumina
Classification: Uncertain significance for Multiple endocrine neoplasia. Last evaluated: 2018-01-13. Review status: criteria provided, single submitter. Criteria: ICSL Variant Classification Criteria 13 December 2019. Collection method: clinical testing. Allele origin: germline.

Illumina Laboratory Services, Illumina
Classification: Uncertain significance for Pheochromocytoma. Last evaluated: 2018-01-13. Review status: criteria provided, single submitter. Criteria: ICSL Variant Classification Criteria 13 December 2019. Collection method: clinical testing. Allele origin: germline.

Counsyl
Classification: Likely benign for Multiple endocrine neoplasia type 2A. Last evaluated: 2018-05-01. Review status: no assertion criteria provided. Collection method: clinical testing. Allele origin: unknown. Not counted in ClinVar's aggregate classification.